The following is an entry in ClinVar:

NM_001079802.2(FKTN):c.642dup (p.Asp215Ter)

Gene: FKTN (fukutin; plus strand). Cytogenetic location: 9q31.2.
Variant type: Duplication.
Coding change: c.642dup on transcript NM_001079802.2 (MANE Select); coding-DNA position 642, one base duplicated (T; older notation c.642dupT).
Protein change: p.Asp215Ter; replaces aspartic acid 215 with a stop codon.
Molecular consequence: nonsense. On other transcripts: non-coding transcript variant (2).
Genome position (GRCh38, 1-based): chr9:105,604,487, T duplicated; the last of 4 consecutive T bases (chr9:105,604,484-105,604,487); duplicating any one gives the same sequence. VCF-style (leftmost placement, unchanged base first): chr9-105604483-C-CT. GRCh37 (hg19) VCF-style: chr9-108366764-C-CT.
Other names: c.642dup, p.Asp215Ter (NM_001198963.2, NM_001351496.2, NM_001351498.2 and 1 more transcripts); c.573dup, p.Asp192Ter (NM_001351497.2); c.246dup, p.Asp83Ter (NM_001351499.2, NM_001351500.2, NM_001351501.2 and 1 more transcripts); c.642dupT (NM_006731.2, NM_001079802.1); short protein forms D192*, D215*, D83*.
Identifiers: ClinVar variation 93523 (VCV000093523.42), dbSNP rs398123557, ClinGen allele CA221466.

ClinVar aggregate classification (germline): Pathogenic/Likely pathogenic. Review status: criteria provided, multiple submitters, no conflicts (2 of 4 stars). 13 submissions from 13 submitters: Pathogenic (10); Likely pathogenic (2). 1 of the submissions does not count toward it. Last evaluated 2026-02-01.

Conditions:
Dilated cardiomyopathy 1X (CMD1X). Also called: FKTN-Related Dilated Cardiomyopathy; CARDIOMYOPATHY, DILATED, WITH MILD OR NO PROXIMAL MUSCLE WEAKNESS. Identifiers: Orphanet 154, MedGen C1969024, MONDO:0012704, OMIM 611615.
Muscular dystrophy-dystroglycanopathy (congenital with brain and eye anomalies), type A, 4 (MDDGA4). Also called: Fukuyama congenital muscular dystrophy; Walker-Warburg Syndrome, Fktn-Related; WALKER-WARBURG SYNDROME OR MUSCLE-EYE-BRAIN DISEASE, FKTN-RELATED; Muscular dystrophy, congenital progressive, with mental retardation; Muscular dystrophy, congenital, with central nervous system involvement; Cerebromuscular dystrophy, Fukuyama type. Identifiers: Orphanet 272, Orphanet 588, Orphanet 899, MedGen C0410174, MONDO:0009678, OMIM 253800.
Autosomal recessive limb-girdle muscular dystrophy type 2M. Also called: MUSCULAR DYSTROPHY, LIMB-GIRDLE, TYPE 2M; MUSCULAR DYSTROPHY-DYSTROGLYCANOPATHY (LIMB-GIRDLE), TYPE C, 4. Identifiers: Orphanet 206554, MedGen C1969040, MONDO:0012699, OMIM 611588.
Muscular dystrophy-dystroglycanopathy (congenital without impaired intellectual development), type B, 4. Also called: Muscular dystrophy-dystroglycanopathy (congenital without intellectual disability), type B4; MUSCULAR DYSTROPHY, CONGENITAL, FKTN-RELATED. Identifiers: MedGen C2751052, MONDO:0013156, OMIM 613152.
Cardiovascular phenotype. Identifiers: MedGen CN230736.
Walker-Warburg congenital muscular dystrophy. Also called: Muscular dystrophy-dystroglycanopathy, type A; Walker-Warburg syndrome. Identifiers: Orphanet 899, MedGen C0265221, MONDO:0000171.

Submissions (13):

CeGaT Center for Human Genetics Tuebingen
Classification: Pathogenic. Last evaluated: 2026-02-01. Review status: criteria provided, single submitter. Criteria: CeGaT Center For Human Genetics Tuebingen Variant Classification Criteria Version 2. Collection method: clinical testing. Allele origin: germline. Affected: yes. Observed: 1 variant allele.
Comment: FKTN: PVS1, PM2, PM3:Supporting

Labcorp Genetics (formerly Invitae), Labcorp
Classification: Pathogenic for Walker-Warburg congenital muscular dystrophy. Last evaluated: 2026-01-20. Review status: criteria provided, single submitter. Criteria: Invitae Variant Classification Sherloc (09022015). Collection method: clinical testing. Allele origin: germline.
Comment: This sequence change creates a premature translational stop signal (p.Asp215*) in the FKTN gene. It is expected to result in an absent or disrupted protein product. Loss-of-function variants in FKTN are known to be pathogenic (PMID: 17044012, 17878207, 18752264). This variant is present in population databases (rs766898395, gnomAD 0.1%). This premature translational stop signal has been observed in individual(s) with Walker-Warburg syndrome (PMID: 17878207, 22958903). ClinVar contains an entry for this variant (Variation ID: 93523). For these reasons, this variant has been classified as Pathogenic.

Natera, Inc.
Classification: Pathogenic for Walker-Warburg congenital muscular dystrophy. Last evaluated: 2025-09-22. Review status: criteria provided, single submitter. Criteria: Natera Variant Classification Schema (03/2026). Collection method: clinical testing. Allele origin: germline.
Comment: The c.642dupT variant in FKTN is a frameshift variant predicted to shift the reading frame and introduce a stop codon. This variant is expected to result in nonsense mediated decay, truncation, or a dysfunctional protein product. This variant is rare in the general population with a frequency below the threshold expected for the associated phenotype(s). This variant has been observed in one or more individuals affected with the associated recessive disease, as either homozygous or compound heterozygous with a second variant (PMID: 22958903). Given the available evidence, this variant is classified as Pathogenic.

Variantyx, Inc.
Classification: Likely pathogenic for Muscular dystrophy-dystroglycanopathy (congenital with brain and eye anomalies), type A, 4. Last evaluated: 2025-09-03. Review status: criteria provided, single submitter. Criteria: Variantyx Assertion Criteria 2022. Collection method: clinical testing. Allele origin: germline. Inheritance: Autosomal recessive inheritance. Affected: no.
Comment: This is a nonsense variant in the FKTN gene (OMIM: 607440). Pathogenic variants in this gene have been associated with autosomal recessive congenital muscular dystrophy-dystroglycanopathy with brain and eye anomalies. This variant introduces a premature termination codon in exon 5 out of 10 and is expected to result in loss of function, which is a known disease mechanism for FKTN in this disorder (PMID: 17044012, 17878207, 18752264) (PVS1). This variant has a 0.0567% maximum allele frequency in non-founder control populations (PM2) and has been reported in the homozygous state in one individual affected with Walker Warburg syndrome (PMID: 22958903). Based on the current evidence, this variant is classified as likely pathogenic for autosomal recessive congenital muscular dystrophy-dystroglycanopathy with brain and eye anomalies.

GeneDx
Classification: Pathogenic. Last evaluated: 2025-03-20. Review status: criteria provided, single submitter. Criteria: GeneDx Variant Classification Process June 2021. Collection method: clinical testing. Allele origin: germline. Affected: yes.
Comment: Observed in a patient with early-life epilepsy and structural brain malformation; zygosity was not explicitly stated (PMID: 28759667); Nonsense variant predicted to result in protein truncation or nonsense mediated decay in a gene for which loss of function is a known mechanism of disease; This variant is associated with the following publications: (PMID: 23757202, 22958903, 28759667, 36129056)

Revvity Omics, Revvity
Classification: Likely pathogenic. Last evaluated: 2024-07-14. Review status: criteria provided, single submitter. Criteria: ACMG Guidelines, 2015. Collection method: clinical testing. Allele origin: germline.

Fulgent Genetics
Classification: Pathogenic for Muscular dystrophy-dystroglycanopathy (congenital with brain and eye anomalies), type A, 4; Autosomal recessive limb-girdle muscular dystrophy type 2M; Dilated cardiomyopathy 1X; Muscular dystrophy-dystroglycanopathy (congenital without impaired intellectual development), type B, 4. Last evaluated: 2024-06-06. Review status: criteria provided, single submitter. Criteria: ACMG Guidelines, 2015. Collection method: clinical testing. Allele origin: germline.

Baylor Genetics
Classification: Pathogenic for Dilated cardiomyopathy 1X. Last evaluated: 2024-03-29. Review status: criteria provided, single submitter. Criteria: ACMG Guidelines, 2015. Collection method: clinical testing. Allele origin: unknown.

Ambry Genetics
Classification: Pathogenic for Cardiovascular phenotype. Last evaluated: 2022-12-09. Review status: criteria provided, single submitter. Criteria: Ambry Variant Classification Scheme 2023. Collection method: clinical testing. Allele origin: germline.
Comment: The c.642dupT pathogenic mutation, located in coding exon 4 of the FKTN gene, results from a duplication of T at nucleotide position 642, causing a translational frameshift with a predicted alternate stop codon (p.D215*). This variant has been detected in the homozygous state in an individual with Walker-Warburg syndrome and was also detected in an individual with early-onset epilepsy and brain malformation for whom zygosity detail was not provided (Manzini MC et al. Am J Hum Genet, 2012 Sep;91:541-7; Berg AT et al. JAMA Pediatr, 2017 Sep;171:863-871). In addition to the clinical data presented in the literature, this alteration is expected to result in loss of function by premature protein truncation or nonsense-mediated mRNA decay. As such, this alteration is interpreted as a disease-causing mutation.

Women's Health and Genetics/Laboratory Corporation of America, LabCorp
Classification: Pathogenic for Fukuyama congenital muscular dystrophy. Last evaluated: 2020-09-21. Review status: criteria provided, single submitter. Criteria: LabCorp Variant Classification Summary - May 2015. Collection method: clinical testing. Allele origin: germline.
Comment: Variant summary: FKTN c.642dupT (p.Asp215X) results in a premature termination codon, predicted to cause a truncation of the encoded protein or absence of the protein due to nonsense mediated decay, which are commonly known mechanisms for disease. Truncations downstream of this position have been classified as pathogenic by our laboratory. The variant allele was found at a frequency of 0.00014 in 250372 control chromosomes. This frequency is not significantly higher than expected for a pathogenic variant in FKTN causing Walker-Warburg Syndrome (0.00014 vs 0.00046). c.642dupT has been reported in the literature in individuals affected with Walker-Warburg Syndrome (Manzini_2012, Berg_2017). Four clinical diagnostic laboratories have submitted clinical-significance assessments for this variant to ClinVar after 2014 without evidence for independent evaluation. All laboratories classified the variant as pathogenic. Based on the evidence outlined above, the variant was classified as pathogenic.

Center for Pediatric Genomic Medicine, Children's Mercy Hospital and Clinics
Classification: Pathogenic. Last evaluated: 2015-01-30. Review status: criteria provided, single submitter. Criteria: ACMG Guidelines, 2015. Collection method: clinical testing. Allele origin: germline.

Eurofins Ntd Llc (ga)
Classification: Pathogenic. Last evaluated: 2012-12-06. Review status: criteria provided, single submitter. Criteria: EGL Classification Definitions. Collection method: clinical testing. Allele origin: germline. Observed: 1 variant allele, 1 homozygote.

Counsyl
Classification: Likely pathogenic for Fukuyama congenital muscular dystrophy. Last evaluated: 2014-03-22. Review status: no assertion criteria provided. Collection method: literature only. Allele origin: unknown. Inheritance: Autosomal recessive inheritance. Not counted in ClinVar's aggregate classification.

Literature cited by the submitters: PubMed 17044012 (cited by Labcorp Genetics (formerly Invitae), Labcorp and Variantyx, Inc.); PubMed 17878207 (cited by Labcorp Genetics (formerly Invitae), Labcorp and Variantyx, Inc.); PubMed 18752264 (cited by Labcorp Genetics (formerly Invitae), Labcorp and Variantyx, Inc.); PubMed 22958903 (cited by 5 submitters); PubMed 28759667 (cited by Ambry Genetics and Women's Health and Genetics/Laboratory Corporation of America, LabCorp); PubMed 23757202 (cited by Eurofins Ntd Llc (ga)).